The following is an entry in ClinVar:

NM_019888.3(MC3R):c.897C>T (p.Tyr299=)

Gene: MC3R (melanocortin 3 receptor; plus strand). Cytogenetic location: 20q13.2.
Variant type: single nucleotide variant.
Coding change: c.897C>T on transcript NM_019888.3 (MANE Select); coding-DNA position 897, C replaced by T.
Protein change: p.Tyr299=; no amino-acid change (tyrosine 299 retained).
Molecular consequence: synonymous variant.
Genome position (GRCh38, 1-based): chr20:56,249,740, C>T. VCF-style: chr20-56249740-C-T. GRCh37 (hg19) VCF-style: chr20-54824796-C-T.
Identifiers: ClinVar variation 4977115 (VCV004977115.1).

ClinVar aggregate classification (germline): Likely benign (1 of 4 stars; one submission).

Conditions:
MC3R-related disorder. Also called: MC3R-related condition.

gnomAD v4.1: 1 of 1,614,166 alleles (0.000062%); highest among the groups gnomAD compares: South Asian, 0.0011%; no homozygotes.

Submission:

PreventionGenetics, part of Exact Sciences
Classification: Likely benign for MC3R-related condition. Last evaluated: 2025-05-12. Review status: criteria provided, single submitter. Criteria: ACMG Guidelines, 2015. Collection method: clinical testing. Allele origin: germline.
Comment: This variant is classified as likely benign based on ACMG/AMP sequence variant interpretation guidelines (Richards et al. 2015 PMID: 25741868, with internal and published modifications).